The following is an entry in ClinVar:

ClinVar aggregate classification (germline): Uncertain significance (1 of 4 stars; one submission).

Conditions:
Inborn genetic diseases. Identifiers: MedGen C0950123, MeSH D030342.

Submission:

Ambry Genetics
Classification: Uncertain significance for Inborn genetic diseases. Last evaluated: 2021-10-04. Review status: criteria provided, single submitter. Criteria: Ambry Variant Classification Scheme 2023. Collection method: clinical testing. Allele origin: germline.
Comment: The p.D2377E variant (also known as c.7131T>A), located in coding exon 48 of the LRRK2 gene, results from a T to A substitution at nucleotide position 7131. The aspartic acid at codon 2377 is replaced by glutamic acid, an amino acid with highly similar properties. This amino acid position is conserved. In addition, this alteration is predicted to be tolerated by in silico analysis. Since supporting evidence is limited at this time, the clinical significance of this alteration remains unclear.

NM_198578.4(LRRK2):c.7131T>A (p.Asp2377Glu)

Gene: LRRK2 (leucine rich repeat kinase 2; plus strand). Cytogenetic location: 12q12.
Variant type: single nucleotide variant.
Coding change: c.7131T>A on transcript NM_198578.4 (MANE Select); coding-DNA position 7131, T replaced by A.
Protein change: p.Asp2377Glu; replaces aspartic acid 2377 with glutamic acid.
Molecular consequence: missense variant.
Genome position (GRCh38, 1-based): chr12:40,363,504, T>A. VCF-style: chr12-40363504-T-A. GRCh37 (hg19) VCF-style: chr12-40757306-T-A.
Other names: short protein forms D2377E.
Identifiers: ClinVar variation 1757319 (VCV001757319.2), dbSNP rs2500027532, ClinGen allele CA384413462.